The following is an entry in ClinVar:

ClinVar aggregate classification (germline): Benign/Likely benign. Review status: criteria provided, multiple submitters, no conflicts (2 of 4 stars). 2 submissions from 2 submitters: Benign (1); Likely benign (1). Last evaluated 2024-10-25.

Conditions:
Hereditary hyperekplexia. Identifiers: Orphanet 3197, MedGen C4084968, MONDO:0021022.
Hyperekplexia 1 (STHE). Also called: HYPEREKPLEXIA 1, AUTOSOMAL DOMINANT; HYPEREKPLEXIA 1, AUTOSOMAL RECESSIVE; EXAGGERATED STARTLE REACTION; KOK DISEASE; STARTLE DISEASE, FAMILIAL; STIFF-BABY SYNDROME. Identifiers: Orphanet 3197, MedGen C4551954, MONDO:0007868, OMIM 149400.

Allele frequency attached by ClinVar (database versions not stated): gnomAD 0.00001; TOPMed 0.00001.
gnomAD v4.1: 11 of 1,611,526 alleles (0.00068%); highest among the groups gnomAD compares: Non-Finnish European, 0.00085%; no homozygotes.

Submissions (2):

Labcorp Genetics (formerly Invitae), Labcorp
Classification: Likely benign for Hereditary hyperekplexia. Last evaluated: 2024-10-25. Review status: criteria provided, single submitter. Criteria: Invitae Variant Classification Sherloc (09022015). Collection method: clinical testing. Allele origin: germline.

Illumina Laboratory Services, Illumina
Classification: Benign for Hyperekplexia 1. Last evaluated: 2018-01-12. Review status: criteria provided, single submitter. Criteria: ICSL Variant Classification Criteria 13 December 2019. Collection method: clinical testing. Allele origin: germline.
Comment: This variant was observed in the ICSL laboratory as part of a predisposition screen in an ostensibly healthy population. It had not been previously curated by ICSL or reported in the Human Gene Mutation Database (HGMD: prior to June 1st, 2018), and was therefore a candidate for classification through an automated scoring system. Utilizing variant allele frequency, disease prevalence and penetrance estimates, and inheritance mode, an automated score was calculated to assess if this variant is too frequent to cause the disease. Based on the score and internal cut-off values, a variant classified as benign is not then subjected to further curation. The score for this variant resulted in a classification of benign for this disease.

NM_000171.4(GLRA1):c.1341C>T (p.His447=)

Gene: GLRA1 (glycine receptor alpha 1; minus strand). Cytogenetic location: 5q33.1.
Variant type: single nucleotide variant.
Coding change: c.1341C>T on transcript NM_000171.4 (MANE Select); coding-DNA position 1341, C replaced by T.
Protein change: p.His447=; no amino-acid change (histidine 447 retained).
Molecular consequence: synonymous variant.
Genome position (GRCh38, 1-based): chr5:151,822,682, G>A on the plus strand (C>T on the coding strand, the complement: GLRA1 is on the minus strand). VCF-style: chr5-151822682-G-A. GRCh37 (hg19) VCF-style: chr5-151202243-G-A.
Other names: c.1365C>T, p.His455= (NM_001146040.2); c.1092C>T, p.His364= (NM_001292000.2).
Identifiers: ClinVar variation 352304 (VCV000352304.12), dbSNP rs773707878, ClinGen allele CA3523450.